The following is an entry in ClinVar:

ClinVar aggregate classification (germline): Uncertain significance. Review status: criteria provided, multiple submitters, no conflicts (2 of 4 stars). 3 submissions from 3 submitters: Uncertain significance (3). Last evaluated 2025-06-01.

Conditions:
Inborn genetic diseases. Identifiers: MedGen C0950123, MeSH D030342.
ALS2-related disorder. Also called: ALS2-related disorders; ALS2-related condition; ALS2-Related Spectrum Disorders. Identifiers: MedGen CN169291.
Infantile-onset ascending hereditary spastic paralysis (IAHSP). Also called: Autosomal Recessive Juvenile Amyotrophic Lateral Sclerosis; Infantile-Onset Ascending Hereditary Spastic Paralysis (IAHSP). Identifiers: Orphanet 293168, MedGen C2931441, MONDO:0011797, OMIM 607225. Disease mechanism: loss of function.

Allele frequency attached by ClinVar (database versions not stated): ExAC below 0.00001; gnomAD exomes 0.00003; TOPMed 0.00006; ESP Exome Variant Server 0.00009.
gnomAD v4.1: 68 of 1,551,554 alleles (0.0044%); highest among the groups gnomAD compares: Non-Finnish European, 0.0058%; no homozygotes.

Submissions (3):

PreventionGenetics, part of Exact Sciences
Classification: Uncertain significance for ALS2-related condition. Last evaluated: 2025-06-01. Review status: criteria provided, single submitter. Criteria: ACMG Guidelines, 2015. Collection method: clinical testing. Allele origin: germline.
Comment: The ALS2 c.2855A>G variant is predicted to result in the amino acid substitution p.His952Arg. To our knowledge, this variant has not been reported in the literature. This variant is reported in 0.0050% of alleles in individuals of European (Non-Finnish) descent in gnomAD. At this time, the clinical significance of this variant is uncertain due to the absence of conclusive functional and genetic evidence.

Ambry Genetics
Classification: Uncertain significance for Inborn genetic diseases. Last evaluated: 2024-10-08. Review status: criteria provided, single submitter. Criteria: Ambry Variant Classification Scheme 2023. Collection method: clinical testing. Allele origin: germline.

Labcorp Genetics (formerly Invitae), Labcorp
Classification: Uncertain significance for Infantile-onset ascending hereditary spastic paralysis. Last evaluated: 2021-08-30. Review status: criteria provided, single submitter. Criteria: Invitae Variant Classification Sherloc (09022015). Collection method: clinical testing. Allele origin: germline.
Comment: This sequence change replaces histidine with arginine at codon 952 of the ALS2 protein (p.His952Arg). The histidine residue is highly conserved and there is a small physicochemical difference between histidine and arginine. The frequency data for this variant in the population databases is considered unreliable, as metrics indicate poor data quality at this position in the ExAC database. This variant has not been reported in the literature in individuals affected with ALS2-related conditions. Algorithms developed to predict the effect of missense changes on protein structure and function are either unavailable or do not agree on the potential impact of this missense change (SIFT: "Deleterious"; PolyPhen-2: "Benign"; Align-GVGD: "Class C0"). In summary, the available evidence is currently insufficient to determine the role of this variant in disease. Therefore, it has been classified as a Variant of Uncertain Significance.

NM_020919.4(ALS2):c.2855A>G (p.His952Arg)

Gene: ALS2 (alsin Rho guanine nucleotide exchange factor ALS2; minus strand). Cytogenetic location: 2q33.1.
Variant type: single nucleotide variant.
Coding change: c.2855A>G on transcript NM_020919.4 (MANE Select); coding-DNA position 2855, A replaced by G.
Protein change: p.His952Arg; replaces histidine 952 with arginine.
Molecular consequence: missense variant.
Genome position (GRCh38, 1-based): chr2:201,727,762, T>C on the plus strand (A>G on the coding strand, the complement: ALS2 is on the minus strand). VCF-style: chr2-201727762-T-C. GRCh37 (hg19) VCF-style: chr2-202592485-T-C.
Other names: c.2855A>G (NM_020919.3); short protein forms H952R.
Identifiers: ClinVar variation 1016892 (VCV001016892.8), dbSNP rs372139071, ClinGen allele CA2058057.
Genomic context (GRCh38, chr2:201,727,762, plus strand): 5'-TACACACCACCAGCTTCTTCAGACAGTGGCTCTGCCCACAGCGTGGCCAGAGGGAAAACA[T>C]GGTGCGTGGAGAACTGAAACAGAGAACACGGAGGCACTTTTATGAAAGCCCATGTAGACC-3'
Protein context (NP_065970.2, residues 942-962): ALVHAQFSTH[His952Arg]VFPLATLWAE